The following is an entry in ClinVar:

NM_004239.4(TRIP11):c.5630C>T (p.Pro1877Leu)

Gene: TRIP11 (thyroid hormone receptor interactor 11; minus strand). Cytogenetic location: 14q32.12.
Variant type: single nucleotide variant.
Coding change: c.5630C>T on transcript NM_004239.4 (MANE Select); coding-DNA position 5630, C replaced by T.
Protein change: p.Pro1877Leu; replaces proline 1877 with leucine.
Molecular consequence: missense variant.
Genome position (GRCh38, 1-based): chr14:91,972,806, G>A on the plus strand (C>T on the coding strand, the complement: TRIP11 is on the minus strand). VCF-style: chr14-91972806-G-A. GRCh37 (hg19) VCF-style: chr14-92439150-G-A.
Other names: c.5627C>T, p.Pro1876Leu (NM_001321851.1); short protein forms P1876L, P1877L.
Identifiers: ClinVar variation 884422 (VCV000884422.8), dbSNP rs766363206, ClinGen allele CA7313093.
Genomic context (GRCh38, chr14:91,972,806, plus strand): 5'-CTTTTTCTTCTTCCTGGTGAATCCAGAGGTTTCATATCATGAACAGAAAGCTTTGGTGGT[G>A]GAATGGATGGATGAGATTCTGTTTCTAGAAATTTAACAAAAAGTTCTGAAAAAGACTAAG-3'
Protein context (NP_004230.2, residues 1867-1887): FLETESHPSI[Pro1877Leu]PPKLSVHDMK

ClinVar aggregate classification (germline): Uncertain significance. Review status: criteria provided, multiple submitters, no conflicts (2 of 4 stars). 2 submissions from 2 submitters: Uncertain significance (2). Last evaluated 2024-11-18.

Conditions:
Achondrogenesis, type IA (ACG1A). Identifiers: Orphanet 932, Orphanet 93299, MedGen C0265273, MONDO:0008701, OMIM 200600.

Allele frequency attached by ClinVar (database versions not stated): gnomAD 0.00001; ExAC 0.00002; gnomAD exomes 0.00002; TOPMed 0.00002.
gnomAD v4.1: 28 of 1,613,070 alleles (0.0017%); highest among the groups gnomAD compares: Middle Eastern, 0.017%; no homozygotes.

Submissions (2):

Labcorp Genetics (formerly Invitae), Labcorp
Classification: Uncertain significance for Achondrogenesis, type IA. Last evaluated: 2024-11-18. Review status: criteria provided, single submitter. Criteria: Invitae Variant Classification Sherloc (09022015). Collection method: clinical testing. Allele origin: germline.
Comment: This sequence change replaces proline with leucine at codon 1877 of the TRIP11 protein (p.Pro1877Leu). The proline residue is moderately conserved and there is a moderate physicochemical difference between proline and leucine. This variant is present in population databases (rs766363206, gnomAD 0.003%). This variant has not been reported in the literature in individuals affected with TRIP11-related conditions. ClinVar contains an entry for this variant (Variation ID: 884422). Invitae Evidence Modeling of protein sequence and biophysical properties (such as structural, functional, and spatial information, amino acid conservation, physicochemical variation, residue mobility, and thermodynamic stability) indicates that this missense variant is not expected to disrupt TRIP11 protein function with a negative predictive value of 80%. In summary, the available evidence is currently insufficient to determine the role of this variant in disease. Therefore, it has been classified as a Variant of Uncertain Significance.

Illumina Laboratory Services, Illumina
Classification: Uncertain significance for Achondrogenesis, type IA. Last evaluated: 2018-01-13. Review status: criteria provided, single submitter. Criteria: ICSL Variant Classification Criteria 13 December 2019. Collection method: clinical testing. Allele origin: germline.